The following is an entry in ClinVar:

ClinVar aggregate classification (germline): Uncertain significance. Review status: criteria provided, multiple submitters, no conflicts (2 of 4 stars). 2 submissions from 2 submitters: Uncertain significance (2). Last evaluated 2025-07-21.

Allele frequency attached by ClinVar (database versions not stated): TOPMed 0.00005; ExAC 0.00002; gnomAD 0.00002.
gnomAD v4.1: 66 of 1,599,144 alleles (0.0041%); highest among the groups gnomAD compares: African/African-American, 0.0054%; no homozygotes.

Submissions (2):

Mayo Clinic Laboratories, Mayo Clinic
Classification: Uncertain significance. Last evaluated: 2025-07-21. Review status: criteria provided, single submitter. Criteria: ACMG Guidelines, 2015. Collection method: clinical testing. Allele origin: germline. Observed: 1 variant allele.
Comment: PP3

Ambry Genetics
Classification: Uncertain significance. Last evaluated: 2021-08-09. Review status: criteria provided, single submitter. Criteria: Ambry Variant Classification Scheme 2023. Collection method: clinical testing. Allele origin: germline.

NM_004715.5(CTDP1):c.1964G>A (p.Arg655Gln)

Gene: CTDP1 (CTD phosphatase subunit 1; plus strand). Cytogenetic location: 18q23.
Variant type: single nucleotide variant.
Coding change: c.1964G>A on transcript NM_004715.5 (MANE Select); coding-DNA position 1964, G replaced by A.
Protein change: p.Arg655Gln; replaces arginine 655 with glutamine.
Molecular consequence: missense variant.
Genome position (GRCh38, 1-based): chr18:79,715,424, G>A. VCF-style: chr18-79715424-G-A. GRCh37 (hg19) VCF-style: chr18-77475424-G-A.
Other names: p.Arg655Gln; c.1607G>A, p.Arg536Gln (NM_001202504.1); c.1964G>A, p.Arg655Gln (NM_001318511.2, NM_048368.4); short protein forms R655Q, R536Q.
Identifiers: ClinVar variation 2215077 (VCV002215077.3), dbSNP rs780295853, ClinGen allele CA9010416.